The following is an entry in ClinVar:

NM_003242.6(TGFBR2):c.1301T>C (p.Met434Thr)

Gene: TGFBR2 (transforming growth factor beta receptor 2; plus strand). Cytogenetic location: 3p24.1.
Variant type: single nucleotide variant.
Coding change: c.1301T>C on transcript NM_003242.6 (MANE Select); coding-DNA position 1301, T replaced by C.
Protein change: p.Met434Thr; replaces methionine 434 with threonine.
Molecular consequence: missense variant.
Genome position (GRCh38, 1-based): chr3:30,674,151, T>C. VCF-style: chr3-30674151-T-C. GRCh37 (hg19) VCF-style: chr3-30715643-T-C.
Other names: c.1376T>C, p.Met459Thr (NM_001024847.3); c.1484T>C, p.Met495Thr (NM_001407126.1); c.1409T>C, p.Met470Thr (NM_001407127.1); c.1328T>C, p.Met443Thr (NM_001407128.1); c.1304T>C, p.Met435Thr (NM_001407129.1); c.1301T>C, p.Met434Thr (NM_001407130.1); c.1196T>C, p.Met399Thr (NM_001407132.1, NM_001407133.1, NM_001407134.1 and 2 more transcripts); c.1016T>C, p.Met339Thr (NM_001407137.1); and 1 more; short protein forms M434T, M459T, M470T, M495T, M314T, M339T, M443T, M435T.
Identifiers: ClinVar variation 663133 (VCV000663133.12), dbSNP rs1575158954, ClinGen allele CA351808962.

ClinVar aggregate classification (germline): Conflicting classifications of pathogenicity. Review status: criteria provided, conflicting classifications (1 of 4 stars). 4 submissions from 4 submitters: Likely pathogenic (1); Uncertain significance (3). Last evaluated 2026-08-20.

Conditions:
Familial thoracic aortic aneurysm and aortic dissection (TAAD). Also called: Thoracic aortic aneurysms and dissections. Identifiers: Orphanet 91387, MedGen C4707243, MONDO:0019625.

Submissions (4):

GeneDx
Classification: Uncertain significance. Last evaluated: 2026-08-20. Review status: criteria provided, single submitter. Criteria: GeneDx Variant Classification Process June 2021. Collection method: clinical testing. Allele origin: germline.
Comment: In silico analysis suggests that this missense variant does not alter protein structure/function; Not observed at significant frequency in large population cohorts (gnomAD); This variant is associated with the following publications: (PMID: 34916229, 38630854, 38942629, 31130284)

Ambry Genetics
Classification: Uncertain significance for Familial thoracic aortic aneurysm and aortic dissection. Last evaluated: 2025-06-18. Review status: criteria provided, single submitter. Criteria: Ambry Variant Classification Scheme 2023. Collection method: clinical testing. Allele origin: germline.
Comment: The c.1301T>C (p.M434T) alteration is located in exon 5 (coding exon 5) of the TGFBR2 gene. This alteration results from a T to C substitution at nucleotide position 1301, causing the methionine (M) at amino acid position 434 to be replaced by a threonine (T). This variant was not reported in population-based cohorts in the Genome Aggregation Database (gnomAD). This variant was reported in individual(s) with features consistent with TGFBR2-related Loeys-Dietz syndrome (Almpani, 2022). Another variant at the same codon, c.1301T>A (p.M434K), has been identified in individual(s) with features consistent with TGFBR2-related Loeys-Dietz syndrome (Monies, 2019; Similuk, 2022). This amino acid position is not well conserved in available vertebrate species. The in silico prediction for this alteration is inconclusive. Based on insufficient or conflicting evidence, the clinical significance of this alteration remains unclear.

Labcorp Genetics (formerly Invitae), Labcorp
Classification: Likely pathogenic for Familial thoracic aortic aneurysm and aortic dissection. Last evaluated: 2025-03-17. Review status: criteria provided, single submitter. Criteria: Invitae Variant Classification Sherloc (09022015). Collection method: clinical testing. Allele origin: germline.
Comment: This sequence change replaces methionine, which is neutral and non-polar, with threonine, which is neutral and polar, at codon 434 of the TGFBR2 protein (p.Met434Thr). This variant is not present in population databases (gnomAD no frequency). This missense change has been observed in individuals with clinical features of TGFBR2-related conditions and/or Loeys Dietz syndrome (PMID: 34916229; internal data). ClinVar contains an entry for this variant (Variation ID: 663133). Invitae Evidence Modeling incorporating data from in vitro experimental studies (internal data) indicates that this missense variant is expected to disrupt TGFBR2 function with a positive predictive value of 95%. This variant disrupts the p.Met434 amino acid residue in TGFBR2. Other variant(s) that disrupt this residue have been observed in individuals with TGFBR2-related conditions (PMID: 35753512), which suggests that this may be a clinically significant amino acid residue. In summary, the currently available evidence indicates that the variant is pathogenic, but additional data are needed to prove that conclusively. Therefore, this variant has been classified as Likely Pathogenic.

Blueprint Genetics
Classification: Uncertain significance. Last evaluated: 2022-04-11. Review status: criteria provided, single submitter. Criteria: ACMG Guidelines, 2015. Collection method: clinical testing. Allele origin: germline.

Literature cited by the submitters: PubMed 31130284 (cited by Ambry Genetics); PubMed 34916229 (cited by Ambry Genetics and Labcorp Genetics (formerly Invitae), Labcorp); PubMed 35753512 (cited by Ambry Genetics and Labcorp Genetics (formerly Invitae), Labcorp).